The following is an entry in ClinVar:

NM_006846.4(SPINK5):c.81+88C>G

Gene: SPINK5 (serine peptidase inhibitor Kazal type 5; plus strand). Cytogenetic location: 5q32.
Variant type: single nucleotide variant.
Coding change: c.81+88C>G on transcript NM_006846.4 (MANE Select); 88 bases into the intron after coding-DNA position 81, C replaced by G.
Molecular consequence: intron variant.
Genome position (GRCh38, 1-based): chr5:148,065,460, C>G. VCF-style: chr5-148065460-C-G. GRCh37 (hg19) VCF-style: chr5-147445023-C-G.
Other names: c.81+88C>G (NM_001127698.2, NM_001127699.2).
Identifiers: ClinVar variation 673294 (VCV000673294.3), dbSNP rs1609851, ClinGen allele CA15374421.

ClinVar aggregate classification (germline): Benign. Review status: criteria provided, multiple submitters, no conflicts (2 of 4 stars). 2 submissions from 2 submitters: Benign (2). Last evaluated 2024-01-24.

Allele frequency attached by ClinVar (database versions not stated): gnomAD exomes 0.66324; ESP Exome Variant Server 0.67485; gnomAD 0.69397 and 0.70166; TOPMed 0.70956; 1000 Genomes Project 30x 0.78888; 1000 Genomes Project 0.79073.
gnomAD v4.1: 946,067 of 1,416,468 alleles (67%); highest among the groups gnomAD compares: East Asian, 91%; 320,990 homozygotes.

Submissions (2):

Unidad de Genómica Garrahan, Hospital de Pediatría Garrahan
Classification: Benign. Last evaluated: 2024-01-24. Review status: criteria provided, single submitter. Criteria: ACMG Guidelines, 2015. Collection method: clinical testing. Allele origin: germline. Affected: no. Observed: 82 variant alleles.
Comment: This variant is classified as Benign based on local population frequency. This variant was detected in 93% of patients studied by a panel of primary immunodeficiencies. Number of patients: 82. Only high quality variants are reported.

GeneDx
Classification: Benign. Last evaluated: 2018-06-14. Review status: criteria provided, single submitter. Criteria: GeneDx Variant Classification (06012015). Collection method: clinical testing. Allele origin: germline. Affected: yes.
Comment: This variant is considered likely benign or benign based on one or more of the following criteria: it is a conservative change, it occurs at a poorly conserved position in the protein, it is predicted to be benign by multiple in silico algorithms, and/or has population frequency not consistent with disease.